The following is an entry in ClinVar:

ClinVar aggregate classification (germline): Likely benign. Review status: criteria provided, single submitter (1 of 4 stars). 2 submissions from 2 submitters: Likely benign (1). 1 of the submissions does not count toward it. Last evaluated 2024-11-22.

Conditions:
GAS2L2-related disorder. Also called: GAS2L2-related condition.

Allele frequency attached by ClinVar (database versions not stated): gnomAD 0.00066; TOPMed 0.00066; ExAC 0.00070; gnomAD exomes 0.00081; 1000 Genomes Project 30x 0.00312; 1000 Genomes Project 0.00359.
gnomAD v4.1: 1,264 of 1,613,958 alleles (0.078%); highest among the groups gnomAD compares: East Asian, 2.6%; 17 homozygotes.

Submissions (2):

Blueprint Genetics
Classification: Likely benign. Last evaluated: 2024-11-22. Review status: criteria provided, single submitter. Criteria: ACMG Guidelines, 2015. Collection method: clinical testing. Allele origin: germline.

PreventionGenetics, part of Exact Sciences
Classification: Benign for GAS2L2-related condition. Last evaluated: 2024-01-23. Review status: no assertion criteria provided. Collection method: clinical testing. Allele origin: germline. Not counted in ClinVar's aggregate classification.
Comment: This variant is classified as benign based on ACMG/AMP sequence variant interpretation guidelines (Richards et al. 2015 PMID: 25741868, with internal and published modifications).

NM_139285.4(GAS2L2):c.2442G>A (p.Arg814=)

Gene: GAS2L2 (growth arrest specific 2 like 2; minus strand). Cytogenetic location: 17q12.
Variant type: single nucleotide variant.
Coding change: c.2442G>A on transcript NM_139285.4 (MANE Select); coding-DNA position 2442, G replaced by A.
Protein change: p.Arg814=; no amino-acid change (arginine 814 retained).
Molecular consequence: synonymous variant.
Genome position (GRCh38, 1-based): chr17:35,745,055, C>T on the plus strand (G>A on the coding strand, the complement: GAS2L2 is on the minus strand). VCF-style: chr17-35745055-C-T. GRCh37 (hg19) VCF-style: chr17-34072074-C-T.
Identifiers: ClinVar variation 3041820 (VCV003041820.3), dbSNP rs75215075, ClinGen allele CA8505849.